The following is an entry in ClinVar:

NM_002087.4(GRN):c.1326C>G (p.Ile442Met)

Gene: GRN (granulin precursor; plus strand). Cytogenetic location: 17q21.31.
Variant type: single nucleotide variant.
Coding change: c.1326C>G on transcript NM_002087.4 (MANE Select); coding-DNA position 1326, C replaced by G.
Protein change: p.Ile442Met; replaces isoleucine 442 with methionine.
Molecular consequence: missense variant.
Genome position (GRCh38, 1-based): chr17:44,352,161, C>G. VCF-style: chr17-44352161-C-G. GRCh37 (hg19) VCF-style: chr17-42429529-C-G.
Other names: short protein forms I442M.
Identifiers: ClinVar variation 2045644 (VCV002045644.2), dbSNP rs748758630, ClinGen allele CA8602170.

ClinVar aggregate classification (germline): Uncertain significance (1 of 4 stars; one submission).

Conditions:
Neuronal ceroid lipofuscinosis 11. Also called: GRN-Related Neuronal Ceroid-Lipofuscinosis. Identifiers: Orphanet 314629, Orphanet 79262, MedGen C3539123, MONDO:0013866, OMIM 614706.
GRN-related frontotemporal lobar degeneration with Tdp43 inclusions (FTD2). Also called: DEMENTIA, HEREDITARY DYSPHASIC DISINHIBITION; FRONTOTEMPORAL LOBAR DEGENERATION WITH UBIQUITIN-POSITIVE INCLUSIONS; FTLD-TDP, GRN-RELATED; GRN Frontotemporal Dementia; FRONTOTEMPORAL DEMENTIA WITH TDP43 INCLUSIONS, GRN-RELATED. Identifiers: Orphanet 100070, Orphanet 282, MedGen C1843792, MONDO:0011842, OMIM 607485. Disease mechanism: loss of function.

gnomAD v4.1: 13 of 1,613,616 alleles (0.00081%); highest among the groups gnomAD compares: African/African-American, 0.0067%; no homozygotes.

Submission:

Labcorp Genetics (formerly Invitae), Labcorp
Classification: Uncertain significance for Neuronal ceroid lipofuscinosis 11; GRN-related frontotemporal lobar degeneration with Tdp43 inclusions. Last evaluated: 2025-09-13. Review status: criteria provided, single submitter. Criteria: Invitae Variant Classification Sherloc (09022015). Collection method: clinical testing. Allele origin: germline.
Comment: This sequence change replaces isoleucine, which is neutral and non-polar, with methionine, which is neutral and non-polar, at codon 442 of the GRN protein (p.Ile442Met). This variant is present in population databases (rs748758630, gnomAD 0.008%). This variant has not been reported in the literature in individuals affected with GRN-related conditions. ClinVar contains an entry for this variant (Variation ID: 2045644). Invitae Evidence Modeling of protein sequence and biophysical properties (such as structural, functional, and spatial information, amino acid conservation, physicochemical variation, residue mobility, and thermodynamic stability) indicates that this missense variant is not expected to disrupt GRN protein function with a negative predictive value of 80%. In summary, the available evidence is currently insufficient to determine the role of this variant in disease. Therefore, it has been classified as a Variant of Uncertain Significance.